The following is an entry in ClinVar:

ClinVar aggregate classification (germline): Likely benign. Review status: criteria provided, multiple submitters, no conflicts (2 of 4 stars). 4 submissions from 4 submitters: Likely benign (4). Last evaluated 2024-12-12.

Conditions:
FARS2-related disorder. Also called: FARS2-related condition; FARS2-related disorders.
Combined oxidative phosphorylation defect type 14. Also called: Combined oxidative phosphorylation deficiency 14. Identifiers: Orphanet 319519, MedGen C4755312, MONDO:0013986, OMIM 614946.

Allele frequency attached by ClinVar (database versions not stated): TOPMed 0.00001.
gnomAD v4.1: 1 of 1,613,934 alleles (0.000062%); no homozygotes.

Submissions (4):

PreventionGenetics, part of Exact Sciences
Classification: Likely benign for FARS2-related condition. Last evaluated: 2024-12-12. Review status: criteria provided, single submitter. Criteria: ACMG Guidelines, 2015. Collection method: clinical testing. Allele origin: germline.
Comment: This variant is classified as likely benign based on ACMG/AMP sequence variant interpretation guidelines (Richards et al. 2015 PMID: 25741868, with internal and published modifications).

Labcorp Genetics (formerly Invitae), Labcorp
Classification: Likely benign for Combined oxidative phosphorylation defect type 14. Last evaluated: 2024-02-26. Review status: criteria provided, single submitter. Criteria: Invitae Variant Classification Sherloc (09022015). Collection method: clinical testing. Allele origin: germline.

Wong Mito Lab, Molecular and Human Genetics, Baylor College of Medicine
Classification: Likely benign for Combined oxidative phosphorylation deficiency 14. Last evaluated: 2018-06-13. Review status: criteria provided, single submitter. Criteria: ACMG Guidelines, 2015. Collection method: clinical testing. Allele origin: germline.

GeneDx
Classification: Likely benign. Last evaluated: 2016-07-07. Review status: criteria provided, single submitter. Criteria: GeneDx Variant Classification (06012015). Collection method: clinical testing. Allele origin: germline. Affected: yes.
Comment: This variant is considered likely benign or benign based on one or more of the following criteria: it is a conservative change, it occurs at a poorly conserved position in the protein, it is predicted to be benign by multiple in silico algorithms, and/or has population frequency not consistent with disease.

NM_006567.5(FARS2):c.1344G>A (p.Glu448=)

Gene: FARS2 (phenylalanyl-tRNA synthetase 2, mitochondrial; plus strand). Cytogenetic location: 6p25.1.
Variant type: single nucleotide variant.
Coding change: c.1344G>A on transcript NM_006567.5 (MANE Select); coding-DNA position 1344, G replaced by A.
Protein change: p.Glu448=; no amino-acid change (glutamic acid 448 retained).
Molecular consequence: synonymous variant.
Genome position (GRCh38, 1-based): chr6:5,771,417, G>A. VCF-style: chr6-5771417-G-A. GRCh37 (hg19) VCF-style: chr6-5771650-G-A.
Other names: c.1344G>A, p.Glu448= (NM_001318872.2, NM_001374875.1, NM_001374876.1 and 4 more transcripts); c.1212G>A, p.Glu404= (NM_001375258.1); c.648G>A, p.Glu216= (NM_001375259.1, NM_001375260.1).
Identifiers: ClinVar variation 386918 (VCV000386918.9), dbSNP rs945267016, ClinGen allele CA16605070.